The following is an entry in ClinVar:

ClinVar aggregate classification (germline): Uncertain significance. Review status: criteria provided, multiple submitters, no conflicts (2 of 4 stars). 2 submissions from 2 submitters: Uncertain significance (2). Last evaluated 2026-05-10.

Conditions:
Inborn genetic diseases. Identifiers: MedGen C0950123, MeSH D030342.

gnomAD v4.1: 27 of 1,613,974 alleles (0.0017%); highest among the groups gnomAD compares: African/African-American, 0.035%; no homozygotes.

Submissions (2):

Ambry Genetics
Classification: Uncertain significance for Inborn genetic diseases. Last evaluated: 2026-05-10. Review status: criteria provided, single submitter. Criteria: Ambry Variant Classification Scheme 2023. Collection method: clinical testing. Allele origin: germline.

Labcorp Genetics (formerly Invitae), Labcorp
Classification: Uncertain significance. Last evaluated: 2025-08-26. Review status: criteria provided, single submitter. Criteria: Invitae Variant Classification Sherloc (09022015). Collection method: clinical testing. Allele origin: germline.
Comment: This sequence change replaces glycine, which is neutral and non-polar, with alanine, which is neutral and non-polar, at codon 503 of the ANK1 protein (p.Gly503Ala). This variant is present in population databases (rs377644428, gnomAD 0.02%). This variant has not been reported in the literature in individuals affected with ANK1-related conditions. ClinVar contains an entry for this variant (Variation ID: 3603514). Invitae Evidence Modeling of protein sequence and biophysical properties (such as structural, functional, and spatial information, amino acid conservation, physicochemical variation, residue mobility, and thermodynamic stability) indicates that this missense variant is not expected to disrupt ANK1 protein function with a negative predictive value of 80%. In summary, the available evidence is currently insufficient to determine the role of this variant in disease. Therefore, it has been classified as a Variant of Uncertain Significance.

NM_000037.4(ANK1):c.1508G>C (p.Gly503Ala)

Gene: ANK1 (ankyrin 1; minus strand). Cytogenetic location: 8p11.21.
Variant type: single nucleotide variant.
Coding change: c.1508G>C on transcript NM_000037.4 (MANE Select); coding-DNA position 1508, G replaced by C.
Protein change: p.Gly503Ala; replaces glycine 503 with alanine.
Molecular consequence: missense variant.
Genome position (GRCh38, 1-based): chr8:41,715,746, C>G on the plus strand (G>C on the coding strand, the complement: ANK1 is on the minus strand). VCF-style: chr8-41715746-C-G. GRCh37 (hg19) VCF-style: chr8-41573264-C-G.
Other names: c.1607G>C, p.Gly536Ala (NM_001142446.2); c.1508G>C, p.Gly503Ala (NM_020475.3, NM_020476.3, NM_020477.3); c.1508G>C (NM_000037.3); short protein forms G503A, G536A.
Identifiers: ClinVar variation 3603514 (VCV003603514.3).